The following is an entry in ClinVar:

NM_001271.4(CHD2):c.552-5T>C

Gene: CHD2 (chromodomain helicase DNA binding protein 2; plus strand). Cytogenetic location: 15q26.1.
Variant type: single nucleotide variant.
Coding change: c.552-5T>C on transcript NM_001271.4 (MANE Select); 5 bases into the intron before coding-DNA position 552, T replaced by C.
Molecular consequence: intron variant.
Genome position (GRCh38, 1-based): chr15:92,939,573, T>C. VCF-style: chr15-92939573-T-C. GRCh37 (hg19) VCF-style: chr15-93482803-T-C.
Other names: c.552-5T>C (NM_001042572.3).
Identifiers: ClinVar variation 1504954 (VCV001504954.8), dbSNP rs2141778314, ClinGen allele CA2573151497.

ClinVar aggregate classification (germline): Uncertain significance (1 of 4 stars; one submission).

Conditions:
Developmental and epileptic encephalopathy 94 (DEE94). Also called: Epileptic encephalopathy, childhood-onset; CHD2-Related Neurodevelopmental Disorders. Identifiers: Orphanet 1942, Orphanet 2382, MedGen C3809278, MONDO:0014150, OMIM 615369.

Submission:

Labcorp Genetics (formerly Invitae), Labcorp
Classification: Uncertain significance for Developmental and epileptic encephalopathy 94. Last evaluated: 2022-09-13. Review status: criteria provided, single submitter. Criteria: Invitae Variant Classification Sherloc (09022015). Collection method: clinical testing. Allele origin: germline.
Comment: This sequence change falls in intron 6 of the CHD2 gene. It does not directly change the encoded amino acid sequence of the CHD2 protein. This variant is not present in population databases (gnomAD no frequency). This variant has not been reported in the literature in individuals affected with CHD2-related conditions. ClinVar contains an entry for this variant (Variation ID: 1504954). Algorithms developed to predict the effect of sequence changes on RNA splicing suggest that this variant may create or strengthen a splice site. In summary, the available evidence is currently insufficient to determine the role of this variant in disease. Therefore, it has been classified as a Variant of Uncertain Significance.